The following is an entry in ClinVar:

NM_005502.4(ABCA1):c.2557C>A (p.Pro853Thr)

Gene: ABCA1 (ATP binding cassette subfamily A member 1; minus strand). Cytogenetic location: 9q31.1.
Variant type: single nucleotide variant.
Coding change: c.2557C>A on transcript NM_005502.4 (MANE Select); coding-DNA position 2557, C replaced by A.
Protein change: p.Pro853Thr; replaces proline 853 with threonine.
Molecular consequence: missense variant.
Genome position (GRCh38, 1-based): chr9:104,824,564, G>T on the plus strand (C>A on the coding strand, the complement: ABCA1 is on the minus strand). VCF-style: chr9-104824564-G-T. GRCh37 (hg19) VCF-style: chr9-107586845-G-T.
Other names: short protein forms P853T.
Identifiers: ClinVar variation 3224738 (VCV003224738.1), dbSNP rs1159795276, ClinGen allele CA374320722.

ClinVar aggregate classification (germline): Uncertain significance (1 of 4 stars; one submission).

Conditions:
Cardiovascular phenotype. Identifiers: MedGen CN230736.

Submission:

Ambry Genetics
Classification: Uncertain significance for Cardiovascular phenotype. Last evaluated: 2023-02-26. Review status: criteria provided, single submitter. Criteria: Ambry Variant Classification Scheme 2023. Collection method: clinical testing. Allele origin: germline.
Comment: The p.P853T variant (also known as c.2557C>A), located in coding exon 17 of the ABCA1 gene, results from a C to A substitution at nucleotide position 2557. The proline at codon 853 is replaced by threonine, an amino acid with highly similar properties. This amino acid position is conserved. In addition, this alteration is predicted to be deleterious by in silico analysis. Since supporting evidence is limited at this time, the clinical significance of this alteration remains unclear.